The following is an entry in ClinVar:

ClinVar aggregate classification (germline): Uncertain significance (1 of 4 stars; one submission).

Conditions:
Pachygyria with impaired intellectual development, seizures, and arachnoid cysts. Also called: Pachygyria-intellectual disability-epilepsy syndrome. Identifiers: Orphanet 2798, MedGen C1838491, MONDO:0010840, OMIM 600176.

gnomAD v4.1: 10 of 1,613,040 alleles (0.00062%); highest among the groups gnomAD compares: South Asian, 0.0011%; no homozygotes.

Submission:

Broad Center for Mendelian Genomics, Broad Institute of MIT and Harvard
Classification: Uncertain significance for Pachygyria with impaired intellectual development, seizures, and arachnoid cysts. Last evaluated: 2024-11-25. Review status: criteria provided, single submitter. Criteria: ACMG Guidelines, 2015. Collection method: curation. Allele origin: germline. Inheritance: Autosomal dominant inheritance. Study: GREGoR Consortium.
Comment: While this gene is still lacking sufficient evidence to establish a gene-disease relationship, we believe this is a possible novel gene candidate for pachygyria-intellectual disability-epilepsy syndrome. Given the limited information about this gene-disease relationship, the significance of the p.Tyr1346His variant is uncertain. If you have any additional information about functional evidence or other individuals with this phenotype that also have variants in CSMD3 we encourage you to reach out to us.

NM_198123.2(CSMD3):c.4036T>C (p.Tyr1346His)

Gene: CSMD3 (CUB and Sushi multiple domains 3; minus strand). Cytogenetic location: 8q23.3.
Variant type: single nucleotide variant.
Coding change: c.4036T>C on transcript NM_198123.2 (MANE Select); coding-DNA position 4036, T replaced by C.
Protein change: p.Tyr1346His; replaces tyrosine 1346 with histidine.
Molecular consequence: missense variant.
Genome position (GRCh38, 1-based): chr8:112,573,507, A>G on the plus strand (T>C on the coding strand, the complement: CSMD3 is on the minus strand). VCF-style: chr8-112573507-A-G. GRCh37 (hg19) VCF-style: chr8-113585736-A-G.
Other names: NM_198124.2:c.3916T>C; c.3646T>C, p.Tyr1216His (NM_001363185.1); c.3724T>C, p.Tyr1242His (NM_052900.3); c.3916T>C, p.Tyr1306His (NM_198124.2); short protein forms Y1216H, Y1242H, Y1306H, Y1346H.
Identifiers: ClinVar variation 3383296 (VCV003383296.1).
Genomic context (GRCh38, chr8:112,573,507, plus strand): 5'-AATATACATGCAGCACCCCAGTGTTTGGCCATTTTACTCTTCTAAAATACTTACTGGTAT[A>G]CACAAGTTGAAAGCCTTCATCTGTCCCTTCAGTATCGGAATTAAATTCTAGCCAGAGTTG-3'
Protein context (NP_937756.1, residues 1336-1356): EGTDEGFQLV[Tyr1346His]TSFELSHCED